The following is an entry in ClinVar:

ClinVar aggregate classification (germline): Uncertain significance (1 of 4 stars; one submission).

gnomAD v4.1: 4 of 1,613,498 alleles (0.00025%); highest among the groups gnomAD compares: Non-Finnish European, 0.00025%; no homozygotes.

Submission:

Labcorp Genetics (formerly Invitae), Labcorp
Classification: Uncertain significance. Last evaluated: 2024-06-01. Review status: criteria provided, single submitter. Criteria: Invitae Variant Classification Sherloc (09022015). Collection method: clinical testing. Allele origin: germline.
Comment: This sequence change replaces tyrosine, which is neutral and polar, with asparagine, which is neutral and polar, at codon 732 of the A2ML1 protein (p.Tyr732Asn). This variant is not present in population databases (gnomAD no frequency). This variant has not been reported in the literature in individuals affected with A2ML1-related conditions. An algorithm developed to predict the effect of missense changes on protein structure and function (PolyPhen-2) suggests that this variant is likely to be disruptive. In summary, the available evidence is currently insufficient to determine the role of this variant in disease. Therefore, it has been classified as a Variant of Uncertain Significance.

NM_144670.6(A2ML1):c.2194T>A (p.Tyr732Asn)

Gene: A2ML1 (alpha-2-macroglobulin like 1; plus strand). Cytogenetic location: 12p13.31.
Variant type: single nucleotide variant.
Coding change: c.2194T>A on transcript NM_144670.6 (MANE Select); coding-DNA position 2194, T replaced by A.
Protein change: p.Tyr732Asn; replaces tyrosine 732 with asparagine.
Molecular consequence: missense variant.
Genome position (GRCh38, 1-based): chr12:8,850,234, T>A. VCF-style: chr12-8850234-T-A. GRCh37 (hg19) VCF-style: chr12-9002830-T-A.
Other names: c.721T>A, p.Tyr241Asn (NM_001282424.3); short protein forms Y241N, Y732N.
Identifiers: ClinVar variation 3668906 (VCV003668906.2).